The following is an entry in ClinVar:

ClinVar aggregate classification (germline): Pathogenic (1 of 4 stars; one submission).

Conditions:
DICER1-related tumor predisposition. Also called: DICER1 syndrome; DICER1-related pleuropulmonary blastoma cancer predisposition syndrome. Identifiers: Orphanet 284343, MedGen C3839822, MONDO:0100216.

Submission:

Labcorp Genetics (formerly Invitae), Labcorp
Classification: Pathogenic for DICER1-related tumor predisposition. Last evaluated: 2025-04-09. Review status: criteria provided, single submitter. Criteria: Invitae Variant Classification Sherloc (09022015). Collection method: clinical testing. Allele origin: germline.
Comment: This sequence change creates a premature translational stop signal (p.Tyr1752*) in the DICER1 gene. It is expected to result in an absent or disrupted protein product. Loss-of-function variants in DICER1 are known to be pathogenic (PMID: 19556464, 21266384). This variant is not present in population databases (gnomAD no frequency). This variant has not been reported in the literature in individuals affected with DICER1-related conditions. For these reasons, this variant has been classified as Pathogenic.

Literature cited by the submitters: PubMed 19556464; PubMed 21266384.

NM_177438.3(DICER1):c.5256C>G (p.Tyr1752Ter)

Gene: DICER1 (dicer 1, ribonuclease III; minus strand). Cytogenetic location: 14q32.13.
Variant type: single nucleotide variant.
Coding change: c.5256C>G on transcript NM_177438.3 (MANE Select); coding-DNA position 5256, C replaced by G.
Protein change: p.Tyr1752Ter; replaces tyrosine 1752 with a stop codon.
Molecular consequence: nonsense. On other transcripts: non-coding transcript variant (6).
Genome position (GRCh38, 1-based): chr14:95,093,996, G>C on the plus strand (C>G on the coding strand, the complement: DICER1 is on the minus strand). VCF-style: chr14-95093996-G-C. GRCh37 (hg19) VCF-style: chr14-95560333-G-C.
Other names: c.5256C>G, p.Tyr1752Ter (NM_001395680.1, NM_001395682.1, NM_001395683.1 and 8 more transcripts); c.4974C>G, p.Tyr1658Ter (NM_001395686.1); c.4851C>G, p.Tyr1617Ter (NM_001395687.1, NM_001395688.1, NM_001395689.1 and 1 more transcripts); c.4689C>G, p.Tyr1563Ter (NM_001395691.1); c.3573C>G, p.Tyr1191Ter (NM_001395697.1); short protein forms Y1191*, Y1563*, Y1617*, Y1752*, Y1658*.
Identifiers: ClinVar variation 4716938 (VCV004716938.1).